The following is an entry in ClinVar:

NM_013444.4(UBQLN2):c.1764G>A (p.Gln588=)

Gene: UBQLN2 (ubiquilin 2; plus strand). Cytogenetic location: Xp11.21.
Variant type: single nucleotide variant.
Coding change: c.1764G>A on transcript NM_013444.4 (MANE Select); coding-DNA position 1764, G replaced by A.
Protein change: p.Gln588=; no amino-acid change (glutamine 588 retained).
Molecular consequence: synonymous variant.
Genome position (GRCh38, 1-based): chrX:56,565,637, G>A. VCF-style: chrX-56565637-G-A. GRCh37 (hg19) VCF-style: chrX-56592070-G-A.
Identifiers: ClinVar variation 3694066 (VCV003694066.2).
Genomic context (GRCh38, chrX:56,565,637, plus strand): 5'-TGGAGCAAATGCTCCACAGCTGCCGAATCCAGAAGTCAGATTTCAGCAACAACTGGAACA[G>A]CTCAACGCAATGGGGTTCTTAAACCGTGAAGCAAACTTGCAGGCCCTAATAGCAACAGGA-3'
Protein context (NP_038472.2, residues 578-598): PEVRFQQQLE[Gln588=]LNAMGFLNRE

ClinVar aggregate classification (germline): Uncertain significance (1 of 4 stars; one submission).

Conditions:
Amyotrophic lateral sclerosis type 15. Also called: AMYOTROPHIC LATERAL SCLEROSIS 15 WITH FRONTOTEMPORAL DEMENTIA. Identifiers: Orphanet 803, MedGen C3275459, MONDO:0010459, OMIM 300857.

Submission:

Labcorp Genetics (formerly Invitae), Labcorp
Classification: Uncertain significance for Amyotrophic lateral sclerosis type 15. Last evaluated: 2024-04-15. Review status: criteria provided, single submitter. Criteria: Invitae Variant Classification Sherloc (09022015). Collection method: clinical testing. Allele origin: germline.
Comment: This sequence change affects codon 588 of the UBQLN2 mRNA. It is a 'silent' change, meaning that it does not change the encoded amino acid sequence of the UBQLN2 protein. This variant is not present in population databases (gnomAD no frequency). This variant has not been reported in the literature in individuals affected with UBQLN2-related conditions. In summary, the available evidence is currently insufficient to determine the role of this variant in disease. Therefore, it has been classified as a Variant of Uncertain Significance.